The following is an entry in ClinVar:

NM_001374353.1(GLI2):c.3401C>G (p.Ser1134Cys)

Gene: GLI2 (GLI family zinc finger 2; plus strand). Cytogenetic location: 2q14.2.
Variant type: single nucleotide variant.
Coding change: c.3401C>G on transcript NM_001374353.1 (MANE Select); coding-DNA position 3401, C replaced by G.
Protein change: p.Ser1134Cys; replaces serine 1134 with cysteine.
Molecular consequence: missense variant.
Genome position (GRCh38, 1-based): chr2:120,989,366, C>G. VCF-style: chr2-120989366-C-G. GRCh37 (hg19) VCF-style: chr2-121746942-C-G.
Other names: c.3452C>G, p.Ser1151Cys (NM_001371271.1, NM_005270.5); c.3026C>G, p.Ser1009Cys (NM_001374354.1); short protein forms S1009C, S1134C, S1151C.
Identifiers: ClinVar variation 3762872 (VCV003762872.2).
Genomic context (GRCh38, chr2:120,989,366, plus strand): 5'-TTGGGGCGCCCTCCAGCCTGAACAAAAATAACATGCCTGTGCAGTGGAATGAGGTGAGCT[C>G]CGGCACCGTAGACGCCCTGGCCAGCCAGGTGAAGCCTCCACCCTTTCCTCAGGGCAACCT-3'
Protein context (NP_001361282.1, residues 1124-1144): NMPVQWNEVS[Ser1134Cys]GTVDALASQV

ClinVar aggregate classification (germline): Uncertain significance (1 of 4 stars; one submission).

Conditions:
Holoprosencephaly 9 (HPE9). Also called: PITUITARY ANOMALIES WITH HOLOPROSENCEPHALY-LIKE FEATURES; HOLOPROSENCEPHALY WITH MICROPHTHALMIA AND FIRST BRANCHIAL ARCH ANOMALIES. Identifiers: Orphanet 2162, MedGen C1835819, MONDO:0012563, OMIM 610829.
Postaxial polydactyly-anterior pituitary anomalies-facial dysmorphism syndrome. Also called: Culler-Jones syndrome. Identifiers: Orphanet 420584, MedGen C4014479, MONDO:0014369, OMIM 615849.

gnomAD v4.1: 6 of 1,613,004 alleles (0.00037%); highest among the groups gnomAD compares: African/African-American, 0.0067%; no homozygotes.

Submission:

Labcorp Genetics (formerly Invitae), Labcorp
Classification: Uncertain significance for Postaxial polydactyly-anterior pituitary anomalies-facial dysmorphism syndrome; Holoprosencephaly 9. Last evaluated: 2024-09-01. Review status: criteria provided, single submitter. Criteria: Invitae Variant Classification Sherloc (09022015). Collection method: clinical testing. Allele origin: germline.
Comment: This sequence change replaces serine, which is neutral and polar, with cysteine, which is neutral and slightly polar, at codon 1151 of the GLI2 protein (p.Ser1151Cys). This variant is present in population databases (rs367560592, gnomAD 0.01%). This variant has not been reported in the literature in individuals affected with GLI2-related conditions. Invitae Evidence Modeling of protein sequence and biophysical properties (such as structural, functional, and spatial information, amino acid conservation, physicochemical variation, residue mobility, and thermodynamic stability) indicates that this missense variant is expected to disrupt GLI2 protein function with a positive predictive value of 80%. In summary, the available evidence is currently insufficient to determine the role of this variant in disease. Therefore, it has been classified as a Variant of Uncertain Significance.